The following is an entry in ClinVar:

NM_014915.3(ANKRD26):c.3973-13T>G

Gene: ANKRD26 (ankyrin repeat domain containing 26; minus strand). Cytogenetic location: 10p12.1.
Variant type: single nucleotide variant.
Coding change: c.3973-13T>G on transcript NM_014915.3 (MANE Select); 13 bases into the intron before coding-DNA position 3973, T replaced by G.
Molecular consequence: intron variant.
Genome position (GRCh38, 1-based): chr10:27,024,572, A>C on the plus strand (T>G on the coding strand, the complement: ANKRD26 is on the minus strand). VCF-style: chr10-27024572-A-C. GRCh37 (hg19) VCF-style: chr10-27313501-A-C.
Other names: c.3970-13T>G (NM_001256053.2).
Identifiers: ClinVar variation 3364685 (VCV003364685.1).

ClinVar aggregate classification (germline): Uncertain significance (1 of 4 stars; one submission).

gnomAD v4.1: 1 of 1,373,598 alleles (0.000073%); highest among the groups gnomAD compares: Non-Finnish European, 0.0001%; no homozygotes.

Submission:

GeneDx
Classification: Uncertain significance. Last evaluated: 2023-11-21. Review status: criteria provided, single submitter. Criteria: GeneDx Variant Classification Process June 2021. Collection method: clinical testing. Allele origin: germline. Affected: yes.
Comment: Not observed at significant frequency in large population cohorts (gnomAD); In silico analysis supports a deleterious effect on splicing; Has not been previously published as pathogenic or benign to our knowledge